The following is an entry in ClinVar:

NM_001370259.2(MEN1):c.1561A>C (p.Thr521Pro)

Gene: MEN1 (menin 1; minus strand). Cytogenetic location: 11q13.1.
Variant type: single nucleotide variant.
Coding change: c.1561A>C on transcript NM_001370259.2 (MANE Select); coding-DNA position 1561, A replaced by C.
Protein change: p.Thr521Pro; replaces threonine 521 with proline.
Molecular consequence: missense variant.
Genome position (GRCh38, 1-based): chr11:64,804,606, T>G on the plus strand (A>C on the coding strand, the complement: MEN1 is on the minus strand). VCF-style: chr11-64804606-T-G. GRCh37 (hg19) VCF-style: chr11-64572078-T-G.
Other names: c.1576A>C, p.Thr526Pro (NM_000244.4, NM_130800.3, NM_130801.3 and 3 more transcripts); c.1687A>C, p.Thr563Pro (NM_001370251.2); c.1561A>C, p.Thr521Pro (NM_001370260.2, NM_001370261.2, NM_130799.3); c.1456A>C, p.Thr486Pro (NM_001370262.2, NM_001370263.2); short protein forms T486P, T526P, T563P, T521P.
Identifiers: ClinVar variation 853205 (VCV000853205.12), dbSNP rs1565636917, ClinGen allele CA381178482.
Genomic context (GRCh38, chr11:64,804,606, plus strand): 5'-TGGGTGCTGGCACCTGAGCCGTGCTGCCACCTTCAGGGCCTCGGGCTGTGCCAGCGACAG[T>G]CCCAGGAGGCTTCCGGGGGGGTCCTGACACTGCACCCTGGCCGGTGCCCAGGCCCTTGTC-3'
Protein context (NP_001357188.2, residues 511-531): VSGPPRKPPG[Thr521Pro]VAGTARGPEG

ClinVar aggregate classification (germline): Uncertain significance. Review status: criteria provided, multiple submitters, no conflicts (2 of 4 stars). 2 submissions from 2 submitters: Uncertain significance (2). Last evaluated 2025-05-19.

Conditions:
Hereditary cancer-predisposing syndrome. Also called: Neoplastic Syndromes, Hereditary; Hereditary Cancer Syndrome; Hereditary neoplastic syndrome; Tumor predisposition. Identifiers: Orphanet 140162, MedGen C0027672, MeSH D009386, MONDO:0015356.
Multiple endocrine neoplasia, type 1 (MEN1). Also called: MEN I; WERMER SYNDROME; Endocrine adenomatosis multiple; MEN 1; MEA I. Identifiers: Orphanet 652, MedGen C0025267, MeSH D018761, MONDO:0007540, OMIM 131100.

Submissions (2):

Labcorp Genetics (formerly Invitae), Labcorp
Classification: Uncertain significance for Multiple endocrine neoplasia, type 1. Last evaluated: 2025-05-19. Review status: criteria provided, single submitter. Criteria: Invitae Variant Classification Sherloc (09022015). Collection method: clinical testing. Allele origin: germline.
Comment: This sequence change replaces threonine, which is neutral and polar, with proline, which is neutral and non-polar, at codon 521 of the MEN1 protein (p.Thr521Pro). This variant is not present in population databases (gnomAD no frequency). This variant has not been reported in the literature in individuals affected with MEN1-related conditions. ClinVar contains an entry for this variant (Variation ID: 853205). Invitae Evidence Modeling of protein sequence and biophysical properties (such as structural, functional, and spatial information, amino acid conservation, physicochemical variation, residue mobility, and thermodynamic stability) indicates that this missense variant is not expected to disrupt MEN1 protein function with a negative predictive value of 95%. In summary, the available evidence is currently insufficient to determine the role of this variant in disease. Therefore, it has been classified as a Variant of Uncertain Significance.

Ambry Genetics
Classification: Uncertain significance for Hereditary cancer-predisposing syndrome. Last evaluated: 2022-02-27. Review status: criteria provided, single submitter. Criteria: Ambry Variant Classification Scheme 2023. Collection method: clinical testing. Allele origin: germline.
Comment: The p.T521P variant (also known as c.1561A>C), located in coding exon 9 of the MEN1 gene, results from an A to C substitution at nucleotide position 1561. The threonine at codon 521 is replaced by proline, an amino acid with highly similar properties. This amino acid position is conserved. In addition, this alteration is predicted to be tolerated by in silico analysis. Since supporting evidence is limited at this time, the clinical significance of this alteration remains unclear.